The following is an entry in ClinVar:

NM_001297.5(CNGB1):c.712G>A (p.Gly238Ser)

Gene: CNGB1 (cyclic nucleotide gated channel subunit beta 1; minus strand). Cytogenetic location: 16q21.
Variant type: single nucleotide variant.
Coding change: c.712G>A on transcript NM_001297.5 (MANE Select); coding-DNA position 712, G replaced by A.
Protein change: p.Gly238Ser; replaces glycine 238 with serine.
Molecular consequence: missense variant.
Genome position (GRCh38, 1-based): chr16:57,959,937, C>T on the plus strand (G>A on the coding strand, the complement: CNGB1 is on the minus strand). VCF-style: chr16-57959937-C-T. GRCh37 (hg19) VCF-style: chr16-57993841-C-T.
Other names: c.712G>A, p.Gly238Ser (NM_001135639.2); c.694G>A, p.Gly232Ser (NM_001286130.2); short protein forms G238S, G232S.
Identifiers: ClinVar variation 93704 (VCV000093704.20), dbSNP rs61745888, ClinGen allele CA147228.

ClinVar aggregate classification (germline): Benign/Likely benign. Review status: criteria provided, multiple submitters, no conflicts (2 of 4 stars). 5 submissions from 5 submitters: Benign (3); Likely benign (2). Last evaluated 2026-02-04.

Conditions:
Retinal dystrophy. Also called: Inherited retinal dystrophy. Identifiers: Orphanet 71862, MedGen C0854723, MeSH D058499, MONDO:0019118, HP:0000556.
Retinitis pigmentosa (RP). Identifiers: Orphanet 791, MedGen C0035334, MeSH D012174, MONDO:0019200, OMIM 268000. Inheritance: Autosomal dominant, autosomal recessive and X linked inheritance.

Allele frequency attached by ClinVar (database versions not stated): ESP Exome Variant Server 0.01450; gnomAD 0.01454 and 0.01420; gnomAD exomes 0.01669 and 0.01984; 1000 Genomes Project 0.01138; 1000 Genomes Project 30x 0.01140; ExAC 0.02738; TOPMed 0.01438.
gnomAD v4.1: 30,535 of 1,581,156 alleles (1.9%); highest among the groups gnomAD compares: Middle Eastern, 3.8%; 335 homozygotes.

Submissions (5):

Labcorp Genetics (formerly Invitae), Labcorp
Classification: Benign. Last evaluated: 2026-02-04. Review status: criteria provided, single submitter. Criteria: Invitae Variant Classification Sherloc (09022015). Collection method: clinical testing. Allele origin: germline.

Dept Of Ophthalmology, Nagoya University
Classification: Benign for Retinal dystrophy. Last evaluated: 2023-10-01. Review status: criteria provided, single submitter. Criteria: Submitter's publication. Collection method: research. Allele origin: germline. Affected: yes.

Illumina Laboratory Services, Illumina
Classification: Likely benign for Retinitis pigmentosa. Last evaluated: 2018-01-12. Review status: criteria provided, single submitter. Criteria: ICSL Variant Classification Criteria 13 December 2019. Collection method: clinical testing. Allele origin: germline.
Comment: This variant was observed in the ICSL laboratory as part of a predisposition screen in an ostensibly healthy population. It had not been previously curated by ICSL or reported in the Human Gene Mutation Database (HGMD: prior to June 1st, 2018), and was therefore a candidate for classification through an automated scoring system. Utilizing variant allele frequency, disease prevalence and penetrance estimates, and inheritance mode, an automated score was calculated to assess if this variant is too frequent to cause the disease. Based on the score and internal cut-off values, a variant classified as likely benign is not then subjected to further curation. The score for this variant resulted in a classification of likely benign for this disease.

Eurofins Ntd Llc (ga)
Classification: Benign. Last evaluated: 2013-08-09. Review status: criteria provided, single submitter. Criteria: EGL Classification Definitions 2015. Collection method: clinical testing. Allele origin: germline. Observed: 5 variant alleles, 5 heterozygotes.

Breakthrough Genomics
Classification: Likely benign. Review status: criteria provided, single submitter. Criteria: ACMG Guidelines, 2015. Collection method: not provided. Allele origin: germline. Inheritance: Autosomal recessive inheritance. Affected: yes.